The following is an entry in ClinVar:

NM_001394372.1(BICRA):c.4340C>A (p.Pro1447His)

Gene: BICRA (BRD4 interacting chromatin remodeling complex associated protein; plus strand). Cytogenetic location: 19q13.33.
Variant type: single nucleotide variant.
Coding change: c.4340C>A on transcript NM_001394372.1 (MANE Select); coding-DNA position 4340, C replaced by A.
Protein change: p.Pro1447His; replaces proline 1447 with histidine.
Molecular consequence: missense variant.
Genome position (GRCh38, 1-based): chr19:47,702,072, C>A. VCF-style: chr19-47702072-C-A. GRCh37 (hg19) VCF-style: chr19-48205329-C-A.
Other names: c.4340C>A, p.Pro1447His (NM_015711.3); short protein forms P1447H.
Identifiers: ClinVar variation 3367565 (VCV003367565.2).
Genomic context (GRCh38, chr19:47,702,072, plus strand): 5'-GGCTCATCCGCGAGCTGGCGGCCGTGGAGGACGAGCTGTACCAGCGTATGCTGAAGGGCC[C>A]CCCGCCAGAGCCCGCAGCCAGCGCCGCCCAAGGCACCGGGGACCCCGACTGGGAGGCGCC-3'
Protein context (NP_001381301.1, residues 1437-1457): DELYQRMLKG[Pro1447His]PPEPAASAAQ

ClinVar aggregate classification (germline): Uncertain significance. Review status: criteria provided, multiple submitters, no conflicts (2 of 4 stars). 2 submissions from 2 submitters: Uncertain significance (2). Last evaluated 2025-11-13.

gnomAD v4.1: 1 of 1,512,084 alleles (0.000066%); highest among the groups gnomAD compares: East Asian, 0.0026%; no homozygotes.

Submissions (2):

Ambry Genetics
Classification: Uncertain significance. Last evaluated: 2025-11-13. Review status: criteria provided, single submitter. Criteria: Ambry Variant Classification Scheme 2023. Collection method: clinical testing. Allele origin: germline.

GeneDx
Classification: Uncertain significance. Last evaluated: 2024-01-04. Review status: criteria provided, single submitter. Criteria: GeneDx Variant Classification Process June 2021. Collection method: clinical testing. Allele origin: germline. Affected: yes.
Comment: Not observed at significant frequency in large population cohorts (gnomAD); In silico analysis supports that this missense variant does not alter protein structure/function; Has not been previously published as pathogenic or benign to our knowledge